The following is an entry in ClinVar:

NM_015311.3(OBSL1):c.5245G>A (p.Gly1749Arg)

Gene: OBSL1 (obscurin like cytoskeletal adaptor 1; minus strand). Cytogenetic location: 2q35.
Variant type: single nucleotide variant.
Coding change: c.5245G>A on transcript NM_015311.3 (MANE Select); coding-DNA position 5245, G replaced by A.
Protein change: p.Gly1749Arg; replaces glycine 1749 with arginine.
Molecular consequence: missense variant.
Genome position (GRCh38, 1-based): chr2:219,552,599, C>T on the plus strand (G>A on the coding strand, the complement: OBSL1 is on the minus strand). VCF-style: chr2-219552599-C-T. GRCh37 (hg19) VCF-style: chr2-220417321-C-T.
Other names: short protein forms G1749R.
Identifiers: ClinVar variation 898682 (VCV000898682.9), dbSNP rs549049375, ClinGen allele CA2130318.
Genomic context (GRCh38, chr2:219,552,599, plus strand): 5'-CCTGTCGGATGCGGACGCGGGCTCCGGGTCTCAGCGGGCGGCCTCCGAGCTCCCAGCGCC[C>T]CGTGGTCTCGACCTCCGACACGGTGCACTCGAACGTAGCGCCGTCGCCTTCGCGGGCGCT-3'
Protein context (NP_056126.1, residues 1739-1759): ECTVSEVETT[Gly1749Arg]RWELGGRPLR

ClinVar aggregate classification (germline): Uncertain significance. Review status: criteria provided, multiple submitters, no conflicts (2 of 4 stars). 3 submissions from 3 submitters: Uncertain significance (3). Last evaluated 2025-02-08.

Conditions:
3M syndrome 2. Also called: 3-M Syndrome, OBSL1-Related; THREE M SYNDROME 2. Identifiers: Orphanet 2616, MedGen C2752041, MONDO:0013039, OMIM 612921.
Inborn genetic diseases. Identifiers: MedGen C0950123, MeSH D030342.

Allele frequency attached by ClinVar (database versions not stated): gnomAD exomes 0.00003 and 0.00004; gnomAD 0.00008 and 0.00009; TOPMed 0.00012; 1000 Genomes Project 30x 0.00016; ExAC 0.00018; 1000 Genomes Project 0.00020.

Submissions (3):

Ambry Genetics
Classification: Uncertain significance for Inborn genetic diseases. Last evaluated: 2025-02-08. Review status: criteria provided, single submitter. Criteria: Ambry Variant Classification Scheme 2023. Collection method: clinical testing. Allele origin: germline.

Labcorp Genetics (formerly Invitae), Labcorp
Classification: Uncertain significance. Last evaluated: 2023-08-28. Review status: criteria provided, single submitter. Criteria: Invitae Variant Classification Sherloc (09022015). Collection method: clinical testing. Allele origin: germline.
Comment: This variant has not been reported in the literature in individuals affected with OBSL1-related conditions. This sequence change replaces glycine, which is neutral and non-polar, with arginine, which is basic and polar, at codon 1749 of the OBSL1 protein (p.Gly1749Arg). This variant is present in population databases (rs549049375, gnomAD 0.009%). ClinVar contains an entry for this variant (Variation ID: 898682). Algorithms developed to predict the effect of missense changes on protein structure and function output the following: SIFT: "Not Available"; PolyPhen-2: "Possibly Damaging"; Align-GVGD: "Not Available". The arginine amino acid residue is found in multiple mammalian species, which suggests that this missense change does not adversely affect protein function. In summary, the available evidence is currently insufficient to determine the role of this variant in disease. Therefore, it has been classified as a Variant of Uncertain Significance.

Illumina Laboratory Services, Illumina
Classification: Uncertain significance for 3M syndrome 2. Last evaluated: 2018-01-12. Review status: criteria provided, single submitter. Criteria: ICSL Variant Classification Criteria 13 December 2019. Collection method: clinical testing. Allele origin: germline.